The following is an entry in ClinVar:

NC_000011.9:g.(?_108139185)_(108143458_?)del

Gene: ATM (ATM serine/threonine kinase; plus strand). Cytogenetic location: 11q22.3.
Variant type: Deletion.
Identifiers: ClinVar variation 3244507 (VCV003244507.1).

ClinVar aggregate classification (germline): Likely pathogenic (1 of 4 stars; one submission).

Conditions:
Ataxia-telangiectasia syndrome (AT). Also called: LOUIS-BAR SYNDROME; Cerebello-oculocutaneous telangiectasia; Immunodeficiency with ataxia telangiectasia; AT, COMPLEMENTATION GROUP C; Ataxia-telangiectasia, complementation group D; ATAXIA-TELANGIECTASIA, COMPLEMENTATION GROUP A. Identifiers: Orphanet 100, MedGen C0004135, MONDO:0008840, OMIM 208900.

Submission:

Labcorp Genetics (formerly Invitae), Labcorp
Classification: Likely pathogenic for Ataxia-telangiectasia syndrome. Last evaluated: 2019-11-08. Review status: criteria provided, single submitter. Criteria: Invitae Variant Classification Sherloc (09022015). Collection method: clinical testing. Allele origin: unknown.
Comment: In summary, the currently available evidence indicates that the variant is pathogenic, but additional data are needed to prove that conclusively. Therefore, this variant has been classified as Likely Pathogenic. This variant disrupts the p.Leu950 amino acid residue in ATM. Other variant(s) that disrupt this residue have been determined to be pathogenic (PMID: 10873394, 12552559, 20678261, 21792198, 27989354). This suggests that this residue is clinically significant, and that variants that disrupt this residue are likely to be disease-causing. This variant has not been reported in the literature in individuals with ATM-related conditions. This variant results in the in-frame deletion of the genomic region encompassing exons 19-21 and part of exons 18 and 22 (c.2687_3163del) of the ATM gene. It preserves the integrity of the reading frame.

Literature cited by the submitters: PubMed 10873394; PubMed 12552559; PubMed 20678261; PubMed 21792198; PubMed 27989354.